The following is an entry in ClinVar:

NM_001273.5(CHD4):c.1036C>T (p.Leu346Phe)

Gene: CHD4 (chromodomain helicase DNA binding protein 4; minus strand). Cytogenetic location: 12p13.31.
Variant type: single nucleotide variant.
Coding change: c.1036C>T on transcript NM_001273.5 (MANE Select); coding-DNA position 1036, C replaced by T.
Protein change: p.Leu346Phe; replaces leucine 346 with phenylalanine.
Molecular consequence: missense variant.
Genome position (GRCh38, 1-based): chr12:6,600,561, G>A on the plus strand (C>T on the coding strand, the complement: CHD4 is on the minus strand). VCF-style: chr12-6600561-G-A. GRCh37 (hg19) VCF-style: chr12-6709727-G-A.
Other names: c.1015C>T, p.Leu339Phe (NM_001297553.2); c.1036C>T, p.Leu346Phe (NM_001363606.2); short protein forms L346F, L339F.
Identifiers: ClinVar variation 4977394 (VCV004977394.1).

ClinVar aggregate classification (germline): Uncertain significance (1 of 4 stars; one submission).

Conditions:
CHD4-related disorder. Also called: CHD4-related condition.

gnomAD v4.1: 2 of 1,613,832 alleles (0.00012%); no homozygotes.

Submission:

PreventionGenetics, part of Exact Sciences
Classification: Uncertain significance for CHD4-related condition. Last evaluated: 2025-10-01. Review status: criteria provided, single submitter. Criteria: ACMG Guidelines, 2015. Collection method: clinical testing. Allele origin: germline.
Comment: The CHD4 c.1036C>T variant is predicted to result in the amino acid substitution p.Leu346Phe. To our knowledge, this variant has not been reported in the literature. This variant is reported in 0.0029% of alleles in individuals of Latino descent in gnomAD. At this time, the clinical significance of this variant is uncertain due to the absence of conclusive functional and genetic evidence.